The following is an entry in ClinVar:

ClinVar aggregate classification (germline): Uncertain significance (1 of 4 stars; one submission).

Submission:

Labcorp Genetics (formerly Invitae), Labcorp
Classification: Uncertain significance. Last evaluated: 2025-01-19. Review status: criteria provided, single submitter. Criteria: Invitae Variant Classification Sherloc (09022015). Collection method: clinical testing. Allele origin: germline.
Comment: This sequence change replaces serine, which is neutral and polar, with threonine, which is neutral and polar, at codon 21 of the TET2 protein (p.Ser21Thr). This variant is not present in population databases (gnomAD no frequency). This variant has not been reported in the literature in individuals affected with TET2-related conditions. An algorithm developed to predict the effect of missense changes on protein structure and function (PolyPhen-2) suggests that this variant is likely to be tolerated. In summary, the available evidence is currently insufficient to determine the role of this variant in disease. Therefore, it has been classified as a Variant of Uncertain Significance.

NM_001127208.3(TET2):c.61T>A (p.Ser21Thr)

Genes: TET2 (tet methylcytosine dioxygenase 2; plus strand), TET2-AS1 (TET2 antisense RNA 1; minus strand). Cytogenetic location: 4q24.
Variant type: single nucleotide variant.
Coding change: c.61T>A on transcript NM_001127208.3 (MANE Select); coding-DNA position 61, T replaced by A.
Protein change: p.Ser21Thr; replaces serine 21 with threonine.
Molecular consequence: missense variant.
Genome position (GRCh38, 1-based): chr4:105,234,003, T>A. VCF-style: chr4-105234003-T-A. GRCh37 (hg19) VCF-style: chr4-106155160-T-A.
Other names: c.61T>A, p.Ser21Thr (NM_017628.4); short protein forms S21T.
Identifiers: ClinVar variation 3729209 (VCV003729209.2).